The following is an entry in ClinVar:

ClinVar aggregate classification (germline): Uncertain significance (1 of 4 stars; one submission).

Submission:

Ambry Genetics
Classification: Uncertain significance. Last evaluated: 2022-12-23. Review status: criteria provided, single submitter. Criteria: Ambry Variant Classification Scheme 2023. Collection method: clinical testing. Allele origin: germline.
Comment: The p.T1549S variant (also known as c.4645A>T), located in coding exon 16 of the POLQ gene, results from an A to T substitution at nucleotide position 4645. The threonine at codon 1549 is replaced by serine, an amino acid with similar properties. This amino acid position is conserved. In addition, this alteration is predicted to be tolerated by in silico analysis. Since supporting evidence is limited at this time, the clinical significance of this alteration remains unclear.

NM_199420.4(POLQ):c.4645A>T (p.Thr1549Ser)

Gene: POLQ (DNA polymerase theta; minus strand). Cytogenetic location: 3q13.33.
Variant type: single nucleotide variant.
Coding change: c.4645A>T on transcript NM_199420.4 (MANE Select); coding-DNA position 4645, A replaced by T.
Protein change: p.Thr1549Ser; replaces threonine 1549 with serine.
Molecular consequence: missense variant.
Genome position (GRCh38, 1-based): chr3:121,488,286, T>A on the plus strand (A>T on the coding strand, the complement: POLQ is on the minus strand). VCF-style: chr3-121488286-T-A. GRCh37 (hg19) VCF-style: chr3-121207133-T-A.
Other names: short protein forms T1549S.
Identifiers: ClinVar variation 2448955 (VCV002448955.2), dbSNP rs2546785706, ClinGen allele CA354094335.